The following is an entry in ClinVar:

NM_145261.4(DNAJC19):c.198A>G (p.Ile66Met)

Gene: DNAJC19 (DnaJ heat shock protein family (Hsp40) member C19; minus strand). Cytogenetic location: 3q26.33.
Variant type: single nucleotide variant.
Coding change: c.198A>G on transcript NM_145261.4 (MANE Select); coding-DNA position 198, A replaced by G.
Protein change: p.Ile66Met; replaces isoleucine 66 with methionine.
Molecular consequence: missense variant. On other transcripts: non-coding transcript variant (1).
Genome position (GRCh38, 1-based): chr3:180,986,954, T>C on the plus strand (A>G on the coding strand, the complement: DNAJC19 is on the minus strand). VCF-style: chr3-180986954-T-C. GRCh37 (hg19) VCF-style: chr3-180704742-T-C.
Other names: c.123A>G, p.Ile41Met (NM_001190233.2); c.198A>G (NM_145261.3); short protein forms I41M, I66M.
Identifiers: ClinVar variation 2024044 (VCV002024044.5), dbSNP rs1714941468, ClinGen allele CA355472421.

ClinVar aggregate classification (germline): Uncertain significance. Review status: criteria provided, multiple submitters, no conflicts (2 of 4 stars). 2 submissions from 2 submitters: Uncertain significance (2). Last evaluated 2025-02-05.

Conditions:
Inborn genetic diseases. Identifiers: MedGen C0950123, MeSH D030342.
3-methylglutaconic aciduria type 5. Also called: MGA, TYPE V; CARDIOMYOPATHY, DILATED, WITH ATAXIA; 3 alpha methylglutaconic aciduria type V; MGA 5. Identifiers: Orphanet 66634, MedGen C1857776, MONDO:0012435, OMIM 610198.

Allele frequency attached by ClinVar (database versions not stated): gnomAD exomes 0.00002.
gnomAD v4.1: 31 of 1,613,592 alleles (0.0019%); highest among the groups gnomAD compares: Non-Finnish European, 0.0025%; no homozygotes.

Submissions (2):

Ambry Genetics
Classification: Uncertain significance for Inborn genetic diseases. Last evaluated: 2025-02-05. Review status: criteria provided, single submitter. Criteria: Ambry Variant Classification Scheme 2023. Collection method: clinical testing. Allele origin: germline.

Labcorp Genetics (formerly Invitae), Labcorp
Classification: Uncertain significance for 3-methylglutaconic aciduria type 5. Last evaluated: 2021-12-18. Review status: criteria provided, single submitter. Criteria: Invitae Variant Classification Sherloc (09022015). Collection method: clinical testing. Allele origin: germline.
Comment: This variant has not been reported in the literature in individuals affected with DNAJC19-related conditions. In summary, the available evidence is currently insufficient to determine the role of this variant in disease. Therefore, it has been classified as a Variant of Uncertain Significance. Algorithms developed to predict the effect of missense changes on protein structure and function are either unavailable or do not agree on the potential impact of this missense change (SIFT: "Deleterious"; PolyPhen-2: "Possibly Damaging"; Align-GVGD: "Class C0"). This variant is not present in population databases (gnomAD no frequency). This sequence change replaces isoleucine, which is neutral and non-polar, with methionine, which is neutral and non-polar, at codon 66 of the DNAJC19 protein (p.Ile66Met).